The following is an entry in ClinVar:

NM_005188.4(CBL):c.2251+179G>A

Gene: CBL (Cbl proto-oncogene; plus strand). Cytogenetic location: 11q23.3.
Variant type: single nucleotide variant.
Coding change: c.2251+179G>A on transcript NM_005188.4 (MANE Select); 179 bases into the intron after coding-DNA position 2251, G replaced by A.
Molecular consequence: intron variant.
Genome position (GRCh38, 1-based): chr11:119,297,660, G>A. VCF-style: chr11-119297660-G-A. GRCh37 (hg19) VCF-style: chr11-119168370-G-A.
Identifiers: ClinVar variation 561494 (VCV000561494.1), dbSNP rs2186882, ClinGen allele CA13399284.
Genomic context (GRCh38, chr11:119,297,660, plus strand): 5'-GGTACGTGCCACCATGCCCGGCTAATTTTTGTATTTTTAGTAGAGACGGGGTTTCACTAT[G>A]TTGGCCAGGCTGGCCTTGAACTCCTGACCTCAGGTGATCCACCCCTCCCAAAGTGCTGAG-3'

ClinVar aggregate classification (germline): Benign (1 of 4 stars; one submission).

Allele frequency attached by ClinVar (database versions not stated): gnomAD 0.26100 and 0.27453; TOPMed 0.26124; 1000 Genomes Project 30x 0.37086; 1000 Genomes Project 0.37919.
gnomAD v4.1: 41,742 of 152,086 alleles (27%); highest among the groups gnomAD compares: South Asian, 59%; 6,196 homozygotes.

Submission:

GeneDx
Classification: Benign. Last evaluated: 2018-06-14. Review status: criteria provided, single submitter. Criteria: GeneDx Variant Classification (06012015). Collection method: clinical testing. Allele origin: germline. Affected: yes.
Comment: This variant is considered likely benign or benign based on one or more of the following criteria: it is a conservative change, it occurs at a poorly conserved position in the protein, it is predicted to be benign by multiple in silico algorithms, and/or has population frequency not consistent with disease.